The following is an entry in ClinVar:

ClinVar aggregate classification (germline): Uncertain significance (0 of 4 stars; one submission).

Conditions:
BBIP1-related disorder. Also called: BBIP1-related condition.

gnomAD v4.1: 2 of 698,718 alleles (0.00029%); highest among the groups gnomAD compares: Non-Finnish European, 0.00052%; no homozygotes.

Submission:

PreventionGenetics, part of Exact Sciences
Classification: Uncertain significance for BBIP1-related condition. Last evaluated: 2024-07-24. Review status: no assertion criteria provided. Collection method: clinical testing. Allele origin: germline.
Comment: The BBIP1 c.60T>C variant is not predicted to result in an amino acid change (p.=). This variant is predicted to alter splicing based on available splicing prediction programs (SpliceAI, Jaganathan et al. 2019. PubMed ID: 30661751). However, the use of computer prediction programs is not equivalent to functional evidence. To our knowledge, this variant has not been reported in the literature. This variant is reported in 0.0019% of alleles in individuals of European (Non-Finnish) descent in gnomAD. At this time, the clinical significance of this variant is uncertain due to the absence of conclusive functional and genetic evidence.

NM_001195305.3(BBIP1):c.38-6202T>C

Gene: BBIP1 (BBSome interacting protein 1; minus strand). Cytogenetic location: 10q25.2.
Variant type: single nucleotide variant.
Coding change: c.38-6202T>C on transcript NM_001195305.3 (MANE Select); 6202 bases into the intron before coding-DNA position 38, T replaced by C.
Molecular consequence: intron variant. On other transcripts: synonymous variant (1).
Genome position (GRCh38, 1-based): chr10:110,907,814, A>G on the plus strand (T>C on the coding strand, the complement: BBIP1 is on the minus strand). VCF-style: chr10-110907814-A-G. GRCh37 (hg19) VCF-style: chr10-112667572-A-G.
Other names: c.60T>C, p.Tyr20= (NM_001195304.2); c.38-6202T>C (NM_001195306.2); c.-29-6202T>C (NM_001243783.3); c.38-7288T>C (NM_001195307.2).
Identifiers: ClinVar variation 3346870 (VCV003346870.1).